The following is an entry in ClinVar:

ClinVar aggregate classification (germline): Benign. Review status: criteria provided, multiple submitters, no conflicts (2 of 4 stars). 4 submissions from 4 submitters: Benign (3). 1 of the submissions does not count toward it. Last evaluated 2026-02-04.

Conditions:
KMT2B-related disorder. Also called: KMT2B-related disorders; KMT2B-related condition. Identifiers: MedGen CN381338.

Allele frequency attached by ClinVar (database versions not stated): 1000 Genomes Project 0.10304; 1000 Genomes Project 30x 0.10493.
gnomAD v4.1: 161,874 of 1,583,676 alleles (10%); highest among the groups gnomAD compares: South Asian, 11%; 8,821 homozygotes.

Submissions (17):

Labcorp Genetics (formerly Invitae), Labcorp
Classification: Benign. Last evaluated: 2026-02-04. Review status: criteria provided, single submitter. Criteria: Invitae Variant Classification Sherloc (09022015). Collection method: clinical testing. Allele origin: germline.

GeneDx
Classification: Benign. Last evaluated: 2018-09-11. Review status: criteria provided, single submitter. Criteria: GeneDx Variant Classification Process June 2021. Collection method: clinical testing. Allele origin: germline. Affected: yes.

Breakthrough Genomics
Classification: Benign. Review status: criteria provided, single submitter. Criteria: ACMG Guidelines, 2015. Collection method: not provided. Allele origin: germline. Inheritance: Autosomal dominant inheritance. Affected: yes.

PreventionGenetics, part of Exact Sciences
Classification: Benign for KMT2B-related condition. Last evaluated: 2019-11-18. Review status: no assertion criteria provided. Collection method: clinical testing. Allele origin: germline. Not counted in ClinVar's aggregate classification.
Comment: This variant is classified as benign based on ACMG/AMP sequence variant interpretation guidelines (Richards et al. 2015 PMID: 25741868, with internal and published modifications).

Dr. Peter K. Rogan Lab, Western University
No classification provided (evidence only). Condition: Colorectal cancer. Review status: no classification provided. Collection method: in vitro. Allele origin: not applicable. Functional consequence: retained intron. Not counted in ClinVar's aggregate classification.

Dr. Peter K. Rogan Lab, Western University
No classification provided (evidence only). Condition: Colorectal cancer. Review status: no classification provided. Collection method: in vitro. Allele origin: not applicable. Functional consequence: retained intron. Not counted in ClinVar's aggregate classification.

Dr. Peter K. Rogan Lab, Western University
No classification provided (evidence only). Condition: Malignant lymphoma, large B-cell, diffuse. Review status: no classification provided. Collection method: in vitro. Allele origin: not applicable. Functional consequence: retained intron. Not counted in ClinVar's aggregate classification.

Dr. Peter K. Rogan Lab, Western University
No classification provided (evidence only). Condition: Malignant lymphoma, large B-cell, diffuse. Review status: no classification provided. Collection method: in vitro. Allele origin: not applicable. Functional consequence: retained intron. Not counted in ClinVar's aggregate classification.

Dr. Peter K. Rogan Lab, Western University
No classification provided (evidence only). Condition: Adrenocortical carcinoma, hereditary. Review status: no classification provided. Collection method: in vitro. Allele origin: not applicable. Functional consequence: retained intron. Not counted in ClinVar's aggregate classification.

Dr. Peter K. Rogan Lab, Western University
No classification provided (evidence only). Condition: Adrenocortical carcinoma, hereditary. Review status: no classification provided. Collection method: in vitro. Allele origin: not applicable. Functional consequence: retained intron. Not counted in ClinVar's aggregate classification.

Dr. Peter K. Rogan Lab, Western University
No classification provided (evidence only). Condition: Adrenocortical carcinoma, hereditary. Review status: no classification provided. Collection method: in vitro. Allele origin: not applicable. Functional consequence: retained intron. Not counted in ClinVar's aggregate classification.

Dr. Peter K. Rogan Lab, Western University
No classification provided (evidence only). Condition: Adrenocortical carcinoma, hereditary. Review status: no classification provided. Collection method: in vitro. Allele origin: not applicable. Functional consequence: retained intron. Not counted in ClinVar's aggregate classification.

Dr. Peter K. Rogan Lab, Western University
No classification provided (evidence only). Condition: Uterine carcinosarcoma. Review status: no classification provided. Collection method: in vitro. Allele origin: not applicable. Functional consequence: retained intron. Not counted in ClinVar's aggregate classification.

Dr. Peter K. Rogan Lab, Western University
No classification provided (evidence only). Condition: Uterine carcinosarcoma. Review status: no classification provided. Collection method: in vitro. Allele origin: not applicable. Functional consequence: retained intron. Not counted in ClinVar's aggregate classification.

Dr. Peter K. Rogan Lab, Western University
No classification provided (evidence only). Condition: Uveal melanoma. Review status: no classification provided. Collection method: in vitro. Allele origin: not applicable. Functional consequence: retained intron. Not counted in ClinVar's aggregate classification.

Dr. Peter K. Rogan Lab, Western University
No classification provided (evidence only). Condition: Uveal melanoma. Review status: no classification provided. Collection method: in vitro. Allele origin: not applicable. Functional consequence: retained intron. Not counted in ClinVar's aggregate classification.

Dr. Peter K. Rogan Lab, Western University
No classification provided (evidence only). Condition: Lymphoma. Review status: no classification provided. Collection method: in vitro. Allele origin: not applicable. Functional consequence: retained intron. Not counted in ClinVar's aggregate classification.

NM_014727.3(KMT2B):c.5666-5C>A

Gene: KMT2B (lysine methyltransferase 2B; plus strand). Cytogenetic location: 19q13.12.
Variant type: single nucleotide variant.
Coding change: c.5666-5C>A on transcript NM_014727.3 (MANE Select); 5 bases into the intron before coding-DNA position 5666, C replaced by A.
Molecular consequence: intron variant.
Genome position (GRCh38, 1-based): chr19:35,732,210, C>A. VCF-style: chr19-35732210-C-A. GRCh37 (hg19) VCF-style: chr19-36223111-C-A.
Other names: c.5666-5C>A (NM_014727.2).
Identifiers: ClinVar variation 1248123 (VCV001248123.14), dbSNP rs61351824, ClinGen allele CA9385504.